The following is an entry in ClinVar:

NM_004260.4(RECQL4):c.466A>T (p.Ser156Cys)

Gene: RECQL4 (RecQ like helicase 4; minus strand). Cytogenetic location: 8q24.3.
Variant type: single nucleotide variant.
Coding change: c.466A>T on transcript NM_004260.4 (MANE Select); coding-DNA position 466, A replaced by T.
Protein change: p.Ser156Cys; replaces serine 156 with cysteine.
Molecular consequence: missense variant.
Genome position (GRCh38, 1-based): chr8:144,516,653, T>A on the plus strand (A>T on the coding strand, the complement: RECQL4 is on the minus strand). VCF-style: chr8-144516653-T-A. GRCh37 (hg19) VCF-style: chr8-145742037-T-A.
Other names: short protein forms S156C.
Identifiers: ClinVar variation 641430 (VCV000641430.7), dbSNP rs1586826374, ClinGen allele CA372691369.

ClinVar aggregate classification (germline): Uncertain significance. Review status: criteria provided, multiple submitters, no conflicts (2 of 4 stars). 2 submissions from 2 submitters: Uncertain significance (2). Last evaluated 2022-06-04.

Conditions:
Rothmund-Thomson syndrome type 2 (RTS2). Identifiers: Orphanet 221016, MedGen C5203410, MONDO:0016369, OMIM 268400.
Baller-Gerold syndrome (BGS). Also called: CRANIOSYNOSTOSIS WITH RADIAL DEFECTS. Identifiers: Orphanet 1225, MedGen C0265308, MONDO:0009039, OMIM 218600.
Rapadilino syndrome. Identifiers: Orphanet 3021, MedGen C1849453, MONDO:0009955, OMIM 266280.

Submissions (2):

Labcorp Genetics (formerly Invitae), Labcorp
Classification: Uncertain significance for Baller-Gerold syndrome. Last evaluated: 2022-06-04. Review status: criteria provided, single submitter. Criteria: Invitae Variant Classification Sherloc (09022015). Collection method: clinical testing. Allele origin: germline.
Comment: This sequence change replaces serine, which is neutral and polar, with cysteine, which is neutral and slightly polar, at codon 156 of the RECQL4 protein (p.Ser156Cys). This variant is not present in population databases (gnomAD no frequency). This variant has not been reported in the literature in individuals affected with RECQL4-related conditions. ClinVar contains an entry for this variant (Variation ID: 641430). Algorithms developed to predict the effect of missense changes on protein structure and function output the following: SIFT: "Not Available"; PolyPhen-2: "Not Available"; Align-GVGD: "Not Available". The cysteine amino acid residue is found in multiple mammalian species, which suggests that this missense change does not adversely affect protein function. In summary, the available evidence is currently insufficient to determine the role of this variant in disease. Therefore, it has been classified as a Variant of Uncertain Significance.

Fulgent Genetics
Classification: Uncertain significance for Baller-Gerold syndrome; Rapadilino syndrome; Rothmund-Thomson syndrome type 2. Last evaluated: 2021-12-14. Review status: criteria provided, single submitter. Criteria: ACMG Guidelines, 2015. Collection method: clinical testing. Allele origin: unknown.